The following is an entry in ClinVar:

ClinVar aggregate classification (germline): Uncertain significance (1 of 4 stars; one submission).

gnomAD v4.1: 6 of 1,613,990 alleles (0.00037%); highest among the groups gnomAD compares: Admixed American, 0.0033%; no homozygotes.

Submission:

Labcorp Genetics (formerly Invitae), Labcorp
Classification: Uncertain significance. Last evaluated: 2025-09-20. Review status: criteria provided, single submitter. Criteria: Invitae Variant Classification Sherloc (09022015). Collection method: clinical testing. Allele origin: germline.
Comment: This sequence change replaces asparagine, which is neutral and polar, with aspartic acid, which is acidic and polar, at codon 1274 of the LRRC7 protein (p.Asn1274Asp). This variant is not present in population databases (gnomAD no frequency). This variant has not been reported in the literature in individuals affected with LRRC7-related conditions. Experimental studies and prediction algorithms are not available or were not evaluated, and the functional significance of this variant is currently unknown. In summary, the available evidence is currently insufficient to determine the role of this variant in disease. Therefore, it has been classified as a Variant of Uncertain Significance.

NM_001370785.2(LRRC7):c.3820A>G (p.Asn1274Asp)

Genes: LRRC7 (leucine rich repeat containing 7; plus strand), LRRC7-AS1 (LRRC7 antisense RNA 1; minus strand). Cytogenetic location: 1p31.1.
Variant type: single nucleotide variant.
Coding change: c.3820A>G on transcript NM_001370785.2 (MANE Select); coding-DNA position 3820, A replaced by G.
Protein change: p.Asn1274Asp; replaces asparagine 1274 with aspartic acid.
Molecular consequence: missense variant.
Genome position (GRCh38, 1-based): chr1:70,039,644, A>G. VCF-style: chr1-70039644-A-G. GRCh37 (hg19) VCF-style: chr1-70505327-A-G.
Other names: c.3721A>G, p.Asn1241Asp (NM_001330635.3, NM_001366841.1); c.3823A>G, p.Asn1275Asp (NM_001350216.3); c.3820A>G, p.Asn1274Asp (NM_001366838.3); c.3661A>G, p.Asn1221Asp (NM_001366839.3); short protein forms N1221D, N1274D, N1275D, N1241D.
Identifiers: ClinVar variation 4727462 (VCV004727462.1).